The following is an entry in ClinVar:

NM_033380.3(COL4A5):c.4877G>A (p.Cys1626Tyr)

Gene: COL4A5 (collagen type IV alpha 5 chain; plus strand). Cytogenetic location: Xq22.3.
Variant type: single nucleotide variant.
Coding change: c.4877G>A on transcript NM_033380.3 (MANE Select); coding-DNA position 4877, G replaced by A.
Protein change: p.Cys1626Tyr; replaces cysteine 1626 with tyrosine.
Molecular consequence: missense variant.
Genome position (GRCh38, 1-based): chrX:108,695,322, G>A. VCF-style: chrX-108695322-G-A. GRCh37 (hg19) VCF-style: chrX-107938552-G-A.
Other names: c.4877G>A (NM_033380.1); c.4859G>A, p.Cys1620Tyr (NM_000495.5); short protein forms C1620Y, C1626Y.
Identifiers: ClinVar variation 2135520 (VCV002135520.6), dbSNP rs2524653844, ClinGen allele CA414132749.

ClinVar aggregate classification (germline): Conflicting classifications of pathogenicity. Review status: criteria provided, conflicting classifications (1 of 4 stars). 3 submissions from 3 submitters: Likely pathogenic (1); Uncertain significance (2). Last evaluated 2026-04-20.

Conditions:
X-linked Alport syndrome (ATS1). Also called: NEPHROPATHY AND DEAFNESS, X-LINKED; COL4A5-Related Nephropathy. Identifiers: Orphanet 63, Orphanet 88917, MedGen C4746986, MONDO:0010520, OMIM 301050.

Submissions (3):

GeneDx
Classification: Uncertain significance. Last evaluated: 2026-04-20. Review status: criteria provided, single submitter. Criteria: GeneDx Variant Classification Process June 2021. Collection method: clinical testing. Allele origin: germline.
Comment: Not observed at significant frequency in large population cohorts (gnomAD); In silico analysis supports that this missense variant has a deleterious effect on protein structure/function; Has not been previously published as pathogenic or benign to our knowledge

Labcorp Genetics (formerly Invitae), Labcorp
Classification: Uncertain significance. Last evaluated: 2022-05-08. Review status: criteria provided, single submitter. Criteria: Invitae Variant Classification Sherloc (09022015). Collection method: clinical testing. Allele origin: germline.
Comment: This variant has not been reported in the literature in individuals affected with COL4A5-related conditions. In summary, the available evidence is currently insufficient to determine the role of this variant in disease. Therefore, it has been classified as a Variant of Uncertain Significance. Advanced modeling of protein sequence and biophysical properties (such as structural, functional, and spatial information, amino acid conservation, physicochemical variation, residue mobility, and thermodynamic stability) performed at Invitae indicates that this missense variant is expected to disrupt COL4A5 protein function. This variant is not present in population databases (gnomAD no frequency). This sequence change replaces cysteine, which is neutral and slightly polar, with tyrosine, which is neutral and polar, at codon 1620 of the COL4A5 protein (p.Cys1620Tyr).

Juno Genomics, Hangzhou Juno Genomics, Inc
Classification: Likely pathogenic for X-linked Alport syndrome. Review status: criteria provided, single submitter. Criteria: ACMG Guidelines, 2015. Collection method: clinical testing. Allele origin: germline. Affected: yes.
Comment: Absent from controls (or at extremely low frequency if recessive) in Genome Aggregation Database.;Multiple lines of computational evidence support a deleterious effect on the gene or gene product.;Patient's phenotype or family history is highly specific for a disease with a single genetic etiology.